The following is an entry in ClinVar:

ClinVar aggregate classification (germline): Uncertain significance. Review status: criteria provided, multiple submitters, no conflicts (2 of 4 stars). 3 submissions from 3 submitters: Uncertain significance (3). Last evaluated 2025-05-24.

Conditions:
Neutropenia, severe congenital, 2, autosomal dominant. Identifiers: Orphanet 486, MedGen C2751288, MONDO:0013139, OMIM 613107.

Allele frequency attached by ClinVar (database versions not stated): gnomAD exomes 0.00001 and 0.00003; TOPMed 0.00002; gnomAD 0.00006; 1000 Genomes Project 30x 0.00016; 1000 Genomes Project 0.00020.

Submissions (3):

Labcorp Genetics (formerly Invitae), Labcorp
Classification: Uncertain significance for Neutropenia, severe congenital, 2, autosomal dominant. Last evaluated: 2025-05-24. Review status: criteria provided, single submitter. Criteria: Invitae Variant Classification Sherloc (09022015). Collection method: clinical testing. Allele origin: germline.
Comment: This sequence change replaces methionine, which is neutral and non-polar, with lysine, which is basic and polar, at codon 105 of the GFI1 protein (p.Met105Lys). This variant is present in population databases (rs201301010, gnomAD 0.02%). This variant has not been reported in the literature in individuals affected with GFI1-related conditions. ClinVar contains an entry for this variant (Variation ID: 1336621). Invitae Evidence Modeling of protein sequence and biophysical properties (such as structural, functional, and spatial information, amino acid conservation, physicochemical variation, residue mobility, and thermodynamic stability) indicates that this missense variant is not expected to disrupt GFI1 protein function with a negative predictive value of 80%. In summary, the available evidence is currently insufficient to determine the role of this variant in disease. Therefore, it has been classified as a Variant of Uncertain Significance.

Ambry Genetics
Classification: Uncertain significance. Last evaluated: 2024-12-26. Review status: criteria provided, single submitter. Criteria: Ambry Variant Classification Scheme 2023. Collection method: clinical testing. Allele origin: germline.
Comment: The p.M105K variant (also known as c.314T>A), located in coding exon 3 of the GFI1 gene, results from a T to A substitution at nucleotide position 314. The methionine at codon 105 is replaced by lysine, an amino acid with similar properties. This amino acid position is conserved. In addition, this alteration is predicted to be tolerated by in silico analysis. Based on the available evidence, the clinical significance of this variant remains unclear.

Genetic Services Laboratory, University of Chicago
Classification: Uncertain significance. Last evaluated: 2018-03-22. Review status: criteria provided, single submitter. Criteria: ACMG Guidelines, 2015. Collection method: clinical testing. Allele origin: germline. Affected: no.

NM_005263.5(GFI1):c.314T>A (p.Met105Lys)

Gene: GFI1 (growth factor independent 1 transcriptional repressor; minus strand). Cytogenetic location: 1p22.1.
Variant type: single nucleotide variant.
Coding change: c.314T>A on transcript NM_005263.5 (MANE Select); coding-DNA position 314, T replaced by A.
Protein change: p.Met105Lys; replaces methionine 105 with lysine.
Molecular consequence: missense variant.
Genome position (GRCh38, 1-based): chr1:92,481,073, A>T on the plus strand (T>A on the coding strand, the complement: GFI1 is on the minus strand). VCF-style: chr1-92481073-A-T. GRCh37 (hg19) VCF-style: chr1-92946630-A-T.
Other names: c.314T>A, p.Met105Lys (NM_001127215.3, NM_001127216.3); short protein forms M105K.
Identifiers: ClinVar variation 1336621 (VCV001336621.9), dbSNP rs201301010, ClinGen allele CA27090354.